The following is an entry in ClinVar:

NM_032119.4(ADGRV1):c.13264G>A (p.Val4422Met)

Gene: ADGRV1 (adhesion G protein-coupled receptor V1; plus strand). Cytogenetic location: 5q14.3.
Variant type: single nucleotide variant.
Coding change: c.13264G>A on transcript NM_032119.4 (MANE Select); coding-DNA position 13264, G replaced by A.
Protein change: p.Val4422Met; replaces valine 4422 with methionine.
Molecular consequence: missense variant. On other transcripts: non-coding transcript variant (1).
Genome position (GRCh38, 1-based): chr5:90,783,156, G>A. VCF-style: chr5-90783156-G-A. GRCh37 (hg19) VCF-style: chr5-90078973-G-A.
Other names: c.13264G>A (NM_032119.3); short protein forms V4422M.
Identifiers: ClinVar variation 2101120 (VCV002101120.3), dbSNP rs2531924482, ClinGen allele CA360393709.

ClinVar aggregate classification (germline): Uncertain significance. Review status: criteria provided, multiple submitters, no conflicts (2 of 4 stars). 2 submissions from 2 submitters: Uncertain significance (2). Last evaluated 2026-03-03.

Conditions:
Inborn genetic diseases. Identifiers: MedGen C0950123, MeSH D030342.

Allele frequency attached by ClinVar (database versions not stated): gnomAD exomes below 0.00001.
gnomAD v4.1: 3 of 1,613,610 alleles (0.00019%); highest among the groups gnomAD compares: Middle Eastern, 0.017%; no homozygotes.

Submissions (2):

Ambry Genetics
Classification: Uncertain significance for Inborn genetic diseases. Last evaluated: 2026-03-03. Review status: criteria provided, single submitter. Criteria: Ambry Variant Classification Scheme 2023. Collection method: clinical testing. Allele origin: germline.

Labcorp Genetics (formerly Invitae), Labcorp
Classification: Uncertain significance. Last evaluated: 2025-08-20. Review status: criteria provided, single submitter. Criteria: Invitae Variant Classification Sherloc (09022015). Collection method: clinical testing. Allele origin: germline.
Comment: This sequence change replaces valine, which is neutral and non-polar, with methionine, which is neutral and non-polar, at codon 4422 of the ADGRV1 protein (p.Val4422Met). This variant is not present in population databases (gnomAD no frequency). This variant has not been reported in the literature in individuals affected with ADGRV1-related conditions. ClinVar contains an entry for this variant (Variation ID: 2101120). Invitae Evidence Modeling of protein sequence and biophysical properties (such as structural, functional, and spatial information, amino acid conservation, physicochemical variation, residue mobility, and thermodynamic stability) indicates that this missense variant is not expected to disrupt ADGRV1 protein function with a negative predictive value of 95%. In summary, the available evidence is currently insufficient to determine the role of this variant in disease. Therefore, it has been classified as a Variant of Uncertain Significance.